The following is an entry in ClinVar:

ClinVar aggregate classification (germline): Uncertain significance (1 of 4 stars; one submission).

Submission:

Labcorp Genetics (formerly Invitae), Labcorp
Classification: Uncertain significance. Last evaluated: 2023-08-19. Review status: criteria provided, single submitter. Criteria: Invitae Variant Classification Sherloc (09022015). Collection method: clinical testing. Allele origin: germline.
Comment: This sequence change replaces glutamine, which is neutral and polar, with proline, which is neutral and non-polar, at codon 124 of the GJB2 protein (p.Gln124Pro). This variant is not present in population databases (gnomAD no frequency). This missense change has been observed in individual(s) with clinical features of GJB2-related conditions (Invitae). In at least one individual the data is consistent with being in trans (on the opposite chromosome) from a pathogenic variant. Advanced modeling of protein sequence and biophysical properties (such as structural, functional, and spatial information, amino acid conservation, physicochemical variation, residue mobility, and thermodynamic stability) has been performed at Invitae for this missense variant, however the output from this modeling did not meet the statistical confidence thresholds required to predict the impact of this variant on GJB2 protein function. In summary, the available evidence is currently insufficient to determine the role of this variant in disease. Therefore, it has been classified as a Variant of Uncertain Significance.

NM_004004.6(GJB2):c.371A>C (p.Gln124Pro)

Gene: GJB2 (gap junction protein beta 2; minus strand). Cytogenetic location: 13q12.11.
Variant type: single nucleotide variant.
Coding change: c.371A>C on transcript NM_004004.6 (MANE Select); coding-DNA position 371, A replaced by C.
Protein change: p.Gln124Pro; replaces glutamine 124 with proline.
Molecular consequence: missense variant.
Genome position (GRCh38, 1-based): chr13:20,189,211, T>G on the plus strand (A>C on the coding strand, the complement: GJB2 is on the minus strand). VCF-style: chr13-20189211-T-G. GRCh37 (hg19) VCF-style: chr13-20763350-T-G.
Other names: short protein forms Q124P.
Identifiers: ClinVar variation 2754059 (VCV002754059.3), dbSNP rs2500250683, ClinGen allele CA387461286.